The following is an entry in ClinVar:

ClinVar aggregate classification (germline): Conflicting classifications of pathogenicity. Review status: criteria provided, conflicting classifications (1 of 4 stars). 4 submissions from 4 submitters: Uncertain significance (1); Likely benign (3). Last evaluated 2026-03-01.

Conditions:
Inborn genetic diseases. Identifiers: MedGen C0950123, MeSH D030342.

Allele frequency attached by ClinVar (database versions not stated): ExAC below 0.00001; gnomAD 0.00007.

Submissions (4):

CeGaT Center for Human Genetics Tuebingen
Classification: Likely benign. Last evaluated: 2026-03-01. Review status: criteria provided, single submitter. Criteria: CeGaT Center For Human Genetics Tuebingen Variant Classification Criteria Version 2. Collection method: clinical testing. Allele origin: germline. Affected: yes. Observed: 3 variant alleles.
Comment: RERE: BP4

Ambry Genetics
Classification: Uncertain significance for Inborn genetic diseases. Last evaluated: 2024-08-10. Review status: criteria provided, single submitter. Criteria: Ambry Variant Classification Scheme 2023. Collection method: clinical testing. Allele origin: germline.

Blueprint Genetics
Classification: Likely benign. Last evaluated: 2024-02-19. Review status: criteria provided, single submitter. Criteria: ACMG Guidelines, 2015. Collection method: clinical testing. Allele origin: germline.

Labcorp Genetics (formerly Invitae), Labcorp
Classification: Likely benign. Last evaluated: 2017-12-04. Review status: criteria provided, single submitter. Criteria: Invitae Variant Classification Sherloc (09022015). Collection method: clinical testing. Allele origin: germline.

NM_001042681.2(RERE):c.3061C>A (p.Pro1021Thr)

Gene: RERE (arginine-glutamic acid dipeptide repeats; minus strand). Cytogenetic location: 1p36.23.
Variant type: single nucleotide variant.
Coding change: c.3061C>A on transcript NM_001042681.2 (MANE Select); coding-DNA position 3061, C replaced by A.
Protein change: p.Pro1021Thr; replaces proline 1021 with threonine.
Molecular consequence: missense variant.
Genome position (GRCh38, 1-based): chr1:8,360,446, G>T on the plus strand (C>A on the coding strand, the complement: RERE is on the minus strand). VCF-style: chr1-8360446-G-T. GRCh37 (hg19) VCF-style: chr1-8420506-G-T.
Other names: c.1399C>A, p.Pro467Thr (NM_001042682.2); c.3061C>A, p.Pro1021Thr (NM_012102.4); short protein forms P467T, P1021T.
Identifiers: ClinVar variation 728816 (VCV000728816.31), dbSNP rs771321205, ClinGen allele CA571256.